The following is an entry in ClinVar:

NM_001080522.2(CC2D2A):c.3597_3600del

Genes: CC2D2A (coiled-coil and C2 domain containing 2A; plus strand), FBXL5 (F-box and leucine rich repeat protein 5; minus strand). Cytogenetic location: 4p15.32.
Variant type: Deletion.
Coding change: c.3597_3600del on transcript NM_001080522.2; coding-DNA positions 3597 to 3600, 4 bases deleted (TGAT; older notation c.3597_3600delTGAT).
Molecular consequence: splice acceptor variant.
Genome position (GRCh38, 1-based): chr4:15,574,152-15,574,155, TGAT deleted; deleting any 4 consecutive bases within chr4:15,574,149-15,574,155 gives the same sequence; the c. name uses the placement nearest the transcript's 3' end. VCF-style (leftmost placement, unchanged base first): chr4-15574148-AGATT-A. GRCh37 (hg19) VCF-style: chr4-15575771-AGATT-A.
Identifiers: ClinVar variation 2938979 (VCV002938979.4), dbSNP rs2475092773, ClinGen allele CA2578048027.

ClinVar aggregate classification (germline): Pathogenic/Likely pathogenic. Review status: criteria provided, multiple submitters, no conflicts (2 of 4 stars). 2 submissions from 2 submitters: Pathogenic (1); Likely pathogenic (1). Last evaluated 2024-01-20.

Conditions:
COACH syndrome 2. Identifiers: MedGen C5436837, MONDO:0030859, OMIM 619111.
Meckel syndrome, type 6. Identifiers: Orphanet 564, MedGen C2676790, MONDO:0012848, OMIM 612284.
Joubert syndrome 9 (JBTS9). Identifiers: Orphanet 2318, MedGen C2676788, MONDO:0012849, OMIM 612285.
Retinitis pigmentosa 93. Identifiers: MedGen C5676970, MONDO:0030797, OMIM 619845.
Joubert syndrome. Also called: JOUBERT-BOLTSHAUSER SYNDROME; Familial aplasia of the vermis. Identifiers: Orphanet 475, MedGen C5979921, MONDO:0018772.
Meckel-Gruber syndrome. Also called: DYSENCEPHALIA SPLANCHNOCYSTICA; GRUBER SYNDROME; Dysencephalia splachnocystica. Identifiers: Orphanet 564, MedGen C0265215, MONDO:0018921.

Submissions (2):

Fulgent Genetics
Classification: Likely pathogenic for Meckel syndrome, type 6; Joubert syndrome 9; COACH syndrome 2; Retinitis pigmentosa 93. Last evaluated: 2024-01-20. Review status: criteria provided, single submitter. Criteria: ACMG Guidelines, 2015. Collection method: clinical testing. Allele origin: germline.

Labcorp Genetics (formerly Invitae), Labcorp
Classification: Pathogenic for Joubert syndrome; Meckel-Gruber syndrome. Last evaluated: 2024-01-09. Review status: criteria provided, single submitter. Criteria: Invitae Variant Classification Sherloc (09022015). Collection method: clinical testing. Allele origin: germline.
Comment: This sequence change creates a premature translational stop signal (p.Ile1199Metfs*6) in the CC2D2A gene. It is expected to result in an absent or disrupted protein product. Loss-of-function variants in CC2D2A are known to be pathogenic (PMID: 19777577). This variant is not present in population databases (gnomAD no frequency). This variant has not been reported in the literature in individuals affected with CC2D2A-related conditions. Algorithms developed to predict the effect of sequence changes on RNA splicing suggest that this variant may disrupt the consensus splice site. For these reasons, this variant has been classified as Pathogenic.

Literature cited by the submitters: PubMed 19777577 (cited by Labcorp Genetics (formerly Invitae), Labcorp).